The following is an entry in ClinVar:

NM_001651.4(AQP5):c.562C>T (p.Arg188Cys)

Gene: AQP5 (aquaporin 5; plus strand). Cytogenetic location: 12q13.12.
Variant type: single nucleotide variant.
Coding change: c.562C>T on transcript NM_001651.4 (MANE Select); coding-DNA position 562, C replaced by T.
Protein change: p.Arg188Cys; replaces arginine 188 with cysteine.
Molecular consequence: missense variant.
Genome position (GRCh38, 1-based): chr12:49,964,125, C>T. VCF-style: chr12-49964125-C-T. GRCh37 (hg19) VCF-style: chr12-50357908-C-T.
Other names: c.562C>T (NM_001651.3); short protein forms R188C.
Identifiers: ClinVar variation 65479 (VCV000065479.10), dbSNP rs368292687, ClinGen allele CA144808.

ClinVar aggregate classification (germline): Conflicting classifications of pathogenicity. Review status: criteria provided, conflicting classifications (1 of 4 stars). 4 submissions from 4 submitters: Likely pathogenic (2); Uncertain significance (1). 1 of the submissions does not count toward it. Last evaluated 2025-07-28.

Conditions:
AQP5-related disorder. Also called: AQP5-related condition.
Palmoplantar keratoderma, Bothnian type. Identifiers: Orphanet 2337, MedGen C1838359, MONDO:0010849, OMIM 600231.

Allele frequency attached by ClinVar (database versions not stated): gnomAD 0.00002; TOPMed 0.00003; gnomAD exomes 0.00004 and 0.00007; ESP Exome Variant Server 0.00008; ExAC 0.00010.

Submissions (4):

GeneDx
Classification: Likely pathogenic. Last evaluated: 2025-07-28. Review status: criteria provided, single submitter. Criteria: GeneDx Variant Classification Process June 2021. Collection method: clinical testing. Allele origin: germline. Affected: yes.
Comment: In silico analysis supports that this missense variant has a deleterious effect on protein structure/function; This variant is associated with the following publications: (PMID: 31589614, 34225022, 23830519, 36553627, 29799470, 36768212, 27255181)

Labcorp Genetics (formerly Invitae), Labcorp
Classification: Uncertain significance. Last evaluated: 2025-01-23. Review status: criteria provided, single submitter. Criteria: Invitae Variant Classification Sherloc (09022015). Collection method: clinical testing. Allele origin: germline.
Comment: This sequence change replaces arginine, which is basic and polar, with cysteine, which is neutral and slightly polar, at codon 188 of the AQP5 protein (p.Arg188Cys). This variant is present in population databases (rs368292687, gnomAD 0.05%), and has an allele count higher than expected for a pathogenic variant. This missense change has been observed in individual(s) with nonepidermolytic palmoplantar keratoderma (PMID: 23830519, 27255181). ClinVar contains an entry for this variant (Variation ID: 65479). Invitae Evidence Modeling of protein sequence and biophysical properties (such as structural, functional, and spatial information, amino acid conservation, physicochemical variation, residue mobility, and thermodynamic stability) indicates that this missense variant is expected to disrupt AQP5 protein function with a positive predictive value of 80%. Experimental studies have shown that this missense change does not substantially affect AQP5 function (PMID: 23830519). In summary, the available evidence is currently insufficient to determine the role of this variant in disease. Therefore, it has been classified as a Variant of Uncertain Significance.

Blueprint Genetics
Classification: Likely pathogenic for AQP5-related disorders. Last evaluated: 2024-01-24. Review status: criteria provided, single submitter. Criteria: ACMG Guidelines, 2015. Collection method: clinical testing. Allele origin: germline. Affected: yes. Observed: 5 variant alleles.

OMIM
Classification: Pathogenic for PALMOPLANTAR KERATODERMA, BOTHNIAN TYPE. Last evaluated: 2013-08-08. Review status: no assertion criteria provided. Collection method: literature only. Allele origin: germline. Not counted in ClinVar's aggregate classification.

Literature cited by the submitters: PubMed 23830519 (cited by Labcorp Genetics (formerly Invitae), Labcorp and OMIM); PubMed 27255181 (cited by Labcorp Genetics (formerly Invitae), Labcorp).